The following is an entry in ClinVar:

ClinVar aggregate classification (germline): Uncertain significance (1 of 4 stars; one submission).

Conditions:
CDC42BPB-related disorder.

Submission:

PreventionGenetics, part of Exact Sciences
Classification: Uncertain significance for CDC42BPB-related condition. Last evaluated: 2025-02-24. Review status: criteria provided, single submitter. Criteria: ACMG Guidelines, 2015. Collection method: clinical testing. Allele origin: germline.
Comment: The CDC42BPB c.848C>T variant is predicted to result in the amino acid substitution p.Ala283Val. To our knowledge, this variant has not been reported in the literature or in a large population database (gnomAD), indicating this variant is rare. At this time, the clinical significance of this variant is uncertain due to the absence of conclusive functional and genetic evidence.

NM_006035.4(CDC42BPB):c.848C>T (p.Ala283Val)

Gene: CDC42BPB (CDC42 binding protein kinase beta; minus strand). Cytogenetic location: 14q32.32.
Variant type: single nucleotide variant.
Coding change: c.848C>T on transcript NM_006035.4 (MANE Select); coding-DNA position 848, C replaced by T.
Protein change: p.Ala283Val; replaces alanine 283 with valine.
Molecular consequence: missense variant.
Genome position (GRCh38, 1-based): chr14:102,983,599, G>A on the plus strand (C>T on the coding strand, the complement: CDC42BPB is on the minus strand). VCF-style: chr14-102983599-G-A. GRCh37 (hg19) VCF-style: chr14-103449936-G-A.
Other names: c.848C>T, p.Ala283Val (NM_001411054.1); short protein forms A283V.
Identifiers: ClinVar variation 4983410 (VCV004983410.1).
Genomic context (GRCh38, chr14:102,983,599, plus strand): 5'-AAAATGCAACGTCTTACTTCATGGTTCATGATCTTCCCATAGGTCTCCACGAGTGACTCC[G>A]CATAAAACGGCGTTTCTCCATAGAGCATCTCATACATGCAGACACCCAGAGACCACCAGT-3'
Protein context (NP_006026.3, residues 273-293): EMLYGETPFY[Ala283Val]ESLVETYGKI